The following is an entry in ClinVar:

NM_004960.4(FUS):c.1420G>A (p.Gly474Ser)

Gene: FUS (FUS RNA binding protein; plus strand). Cytogenetic location: 16p11.2.
Variant type: single nucleotide variant.
Coding change: c.1420G>A on transcript NM_004960.4 (MANE Select); coding-DNA position 1420, G replaced by A.
Protein change: p.Gly474Ser; replaces glycine 474 with serine.
Molecular consequence: missense variant. On other transcripts: non-coding transcript variant (1).
Genome position (GRCh38, 1-based): chr16:31,190,989, G>A. VCF-style: chr16-31190989-G-A. GRCh37 (hg19) VCF-style: chr16-31202310-G-A.
Other names: c.1417G>A, p.Gly473Ser (NM_001170634.1); c.1408G>A, p.Gly470Ser (NM_001170937.1); short protein forms G470S, G473S, G474S.
Identifiers: ClinVar variation 4788318 (VCV004788318.1).

ClinVar aggregate classification (germline): Uncertain significance (1 of 4 stars; one submission).

Conditions:
Amyotrophic lateral sclerosis type 6. Also called: FUS-Related Amyotrophic Laterial Sclerosis; AMYOTROPHIC LATERAL SCLEROSIS 6 WITHOUT FRONTOTEMPORAL DEMENTIA; Amyotrophic lateral sclerosis 6, with or without frontotemporal dementia. Identifiers: Orphanet 275872, Orphanet 803, MedGen C2931786, MONDO:0011951, OMIM 608030.
Tremor, hereditary essential, 4 (ETM4). Identifiers: MedGen C3539195, MONDO:0013888, OMIM 614782.

gnomAD v4.1: 27 of 1,613,638 alleles (0.0017%); highest among the groups gnomAD compares: South Asian, 0.027%; no homozygotes.

Submission:

Labcorp Genetics (formerly Invitae), Labcorp
Classification: Uncertain significance for Tremor, hereditary essential, 4; Amyotrophic lateral sclerosis type 6. Last evaluated: 2025-07-06. Review status: criteria provided, single submitter. Criteria: Invitae Variant Classification Sherloc (09022015). Collection method: clinical testing. Allele origin: germline.
Comment: This sequence change replaces glycine, which is neutral and non-polar, with serine, which is neutral and polar, at codon 474 of the FUS protein (p.Gly474Ser). This variant is present in population databases (rs761928065, gnomAD 0.02%). This variant has not been reported in the literature in individuals affected with FUS-related conditions. An algorithm developed to predict the effect of missense changes on protein structure and function (PolyPhen-2) suggests that this variant is likely to be disruptive. In summary, the available evidence is currently insufficient to determine the role of this variant in disease. Therefore, it has been classified as a Variant of Uncertain Significance.